The following is an entry in ClinVar:

NM_005560.6(LAMA5):c.8477dup (p.Gln2827fs)

Gene: LAMA5 (laminin subunit alpha 5; minus strand). Cytogenetic location: 20q13.33.
Variant type: Duplication.
Coding change: c.8477dup on transcript NM_005560.6 (MANE Select); coding-DNA position 8477, one base duplicated (A; older notation c.8477dupA).
Protein change: p.Gln2827fs; shifts the reading frame from glutamine 2827.
Molecular consequence: frameshift variant.
Genome position (GRCh38, 1-based): chr20:62,314,331, T duplicated on the plus strand (A on the coding strand, the reverse complement: LAMA5 is on the minus strand). VCF-style (leftmost placement, unchanged base first): chr20-62314330-C-CT. GRCh37 (hg19) VCF-style: chr20-60889386-C-CT.
Other names: short protein forms Q2827fs.
Identifiers: ClinVar variation 3256690 (VCV003256690.1).

ClinVar aggregate classification (germline): Likely pathogenic (1 of 4 stars; one submission).

Conditions:
Nephrotic syndrome, IIa 26. Also called: Nephrotic syndrome, type 26. Identifiers: MedGen C5774221, MONDO:0031061, OMIM 620049.

Submission:

MVZ Medizinische Genetik Mainz
Classification: Likely pathogenic for Nephrotic syndrome, IIa 26. Last evaluated: 2024-05-08. Review status: criteria provided, single submitter. Criteria: UK Practice Guidelines For Variant Classification V4 01 2020. Collection method: clinical testing. Allele origin: germline. Inheritance: Autosomal recessive inheritance. Affected: yes. Observed: 1 variant allele.
Comment: ACMG Criteria: PVS1,PM2_SUP